The following is an entry in ClinVar:

ClinVar aggregate classification (germline): Uncertain significance. Review status: criteria provided, multiple submitters, no conflicts (2 of 4 stars). 2 submissions from 2 submitters: Uncertain significance (2). Last evaluated 2022-06-17.

Conditions:
Carnitine acylcarnitine translocase deficiency (CACTD). Identifiers: Orphanet 159, MedGen C0342791, MONDO:0008918, OMIM 212138.

Allele frequency attached by ClinVar (database versions not stated): gnomAD exomes below 0.00001 and 0.00001; gnomAD 0.00001; TOPMed 0.00002.
gnomAD v4.1: 8 of 1,610,306 alleles (0.0005%); highest among the groups gnomAD compares: Middle Eastern, 0.016%; no homozygotes.

Submissions (2):

Labcorp Genetics (formerly Invitae), Labcorp
Classification: Uncertain significance for Carnitine acylcarnitine translocase deficiency. Last evaluated: 2022-06-17. Review status: criteria provided, single submitter. Criteria: Invitae Variant Classification Sherloc (09022015). Collection method: clinical testing. Allele origin: germline.
Comment: This sequence change replaces aspartic acid, which is acidic and polar, with glycine, which is neutral and non-polar, at codon 179 of the SLC25A20 protein (p.Asp179Gly). This variant is present in population databases (no rsID available, gnomAD 0.003%). This missense change has been observed in individual(s) with clinical features of carnitine-acylcarnitine translocase deficiency (PMID: 25614308; Invitae). In at least one individual the data is consistent with being in trans (on the opposite chromosome) from a pathogenic variant. ClinVar contains an entry for this variant (Variation ID: 596613). Algorithms developed to predict the effect of missense changes on protein structure and function are either unavailable or do not agree on the potential impact of this missense change (SIFT: "Deleterious"; PolyPhen-2: "Possibly Damaging"; Align-GVGD: "Class C0"). Algorithms developed to predict the effect of sequence changes on RNA splicing suggest that this variant may create or strengthen a splice site. In summary, the available evidence is currently insufficient to determine the role of this variant in disease. Therefore, it has been classified as a Variant of Uncertain Significance.

Eurofins Ntd Llc (ga)
Classification: Uncertain significance. Last evaluated: 2018-03-19. Review status: criteria provided, single submitter. Criteria: EGL ClinVar v180209 classification definitions. Collection method: clinical testing. Allele origin: germline. Observed: 1 variant allele, 1 heterozygote.

Literature cited by the submitters: PubMed 25614308 (cited by Labcorp Genetics (formerly Invitae), Labcorp).

NM_000387.6(SLC25A20):c.536A>G (p.Asp179Gly)

Gene: SLC25A20 (solute carrier family 25 member 20; minus strand). Cytogenetic location: 3p21.31.
Variant type: single nucleotide variant.
Coding change: c.536A>G on transcript NM_000387.6 (MANE Select); coding-DNA position 536, A replaced by G.
Protein change: p.Asp179Gly; replaces aspartic acid 179 with glycine.
Molecular consequence: missense variant.
Genome position (GRCh38, 1-based): chr3:48,859,627, T>C on the plus strand (A>G on the coding strand, the complement: SLC25A20 is on the minus strand). VCF-style: chr3-48859627-T-C. GRCh37 (hg19) VCF-style: chr3-48897060-T-C.
Other names: short protein forms D179G.
Identifiers: ClinVar variation 596613 (VCV000596613.9), dbSNP rs1205051168, ClinGen allele CA352627178.
Genomic context (GRCh38, chr3:48,859,627, plus strand): 5'-GGAGTGAAGATATTTTTCAGCCATTCATATGTCATGAAATACATTCCACTAGCTGGGACA[T>C]CTGTTAGTGGCAAGAAAAAGGTGAATTAAAGTACATAAACTCTTCGCCAGGCATGGTGGT-3'
Protein context (NP_000378.1, residues 169-189): YKGTVLTLMR[Asp179Gly]VPASGMYFMT